The following is an entry in ClinVar:

ClinVar aggregate classification (germline): Pathogenic/Likely pathogenic. Review status: criteria provided, multiple submitters, no conflicts (2 of 4 stars). 2 submissions from 2 submitters: Pathogenic (1); Likely pathogenic (1). Last evaluated 2025-05-12.

Conditions:
Niemann-Pick disease, type C (NPC). Identifiers: Orphanet 646, MedGen C0220756, MONDO:0018982.
Niemann-Pick disease, type C1. Also called: NEUROVISCERAL STORAGE DISEASE WITH VERTICAL SUPRANUCLEAR OPHTHALMOPLEGIA; NIEMANN-PICK DISEASE WITH CHOLESTEROL ESTERIFICATION BLOCK; NIEMANN-PICK DISEASE WITHOUT SPHINGOMYELINASE DEFICIENCY; NIEMANN-PICK DISEASE, CHRONIC NEURONOPATHIC FORM; NIEMANN-PICK DISEASE, VARIANT TYPE C1. Identifiers: Orphanet 646, MedGen C3179455, MONDO:0009757, OMIM 257220.

Allele frequency attached by ClinVar (database versions not stated): TOPMed below 0.00001; gnomAD exomes 0.00001.
gnomAD v4.1: 10 of 1,614,152 alleles (0.00062%); highest among the groups gnomAD compares: Non-Finnish European, 0.00085%; no homozygotes.

Submissions (2):

Women's Health and Genetics/Laboratory Corporation of America, LabCorp
Classification: Likely pathogenic for Niemann-Pick disease, type C. Last evaluated: 2025-05-12. Review status: criteria provided, single submitter. Criteria: LabCorp Variant Classification Summary - May 2015. Collection method: clinical testing. Allele origin: germline.
Comment: Variant summary: NPC1 c.2071C>G (p.Pro691Ala) results in a non-conservative amino acid change in the encoded protein sequence. Algorithms developed to predict the effect of missense changes on protein structure and function all suggest that this variant is likely to be disruptive. The variant was absent in 251444 control chromosomes. c.2071C>G has been observed in individual(s) affected with Niemann-Pick Disease Type C (Internal data). Different variants affecting the same codon has been classified as likely pathogenic/pathogenic (c.2072C>A, p.Pro691Gln / c.2072C>T, p.Pro691Leu), supporting the critical relevance of codon 691 to NPC1 protein function. To our knowledge, no experimental evidence demonstrating an impact on protein function has been reported. ClinVar contains an entry for this variant (Variation ID: 1524141). Based on the evidence outlined above, the variant was classified as likely pathogenic.

Labcorp Genetics (formerly Invitae), Labcorp
Classification: Pathogenic for Niemann-Pick disease, type C1. Last evaluated: 2023-12-14. Review status: criteria provided, single submitter. Criteria: Invitae Variant Classification Sherloc (09022015). Collection method: clinical testing. Allele origin: germline.
Comment: This sequence change replaces proline, which is neutral and non-polar, with alanine, which is neutral and non-polar, at codon 691 of the NPC1 protein (p.Pro691Ala). This variant is not present in population databases (gnomAD no frequency). This missense change has been observed in individual(s) with clinical features of Niemann-Pick disease type C (Invitae). In at least one individual the data is consistent with being in trans (on the opposite chromosome) from a pathogenic variant. ClinVar contains an entry for this variant (Variation ID: 1524141). Advanced modeling of protein sequence and biophysical properties (such as structural, functional, and spatial information, amino acid conservation, physicochemical variation, residue mobility, and thermodynamic stability) performed at Invitae indicates that this missense variant is expected to disrupt NPC1 protein function with a positive predictive value of 95%. This variant disrupts the p.Pro691 amino acid residue in NPC1. Other variant(s) that disrupt this residue have been determined to be pathogenic (PMID: 27139891; Invitae). This suggests that this residue is clinically significant, and that variants that disrupt this residue are likely to be disease-causing. For these reasons, this variant has been classified as Pathogenic.

Literature cited by the submitters: PubMed 27139891 (cited by Labcorp Genetics (formerly Invitae), Labcorp).

NM_000271.5(NPC1):c.2071C>G (p.Pro691Ala)

Gene: NPC1 (NPC intracellular cholesterol transporter 1; minus strand). Cytogenetic location: 18q11.2.
Variant type: single nucleotide variant.
Coding change: c.2071C>G on transcript NM_000271.5 (MANE Select); coding-DNA position 2071, C replaced by G.
Protein change: p.Pro691Ala; replaces proline 691 with alanine.
Molecular consequence: missense variant.
Genome position (GRCh38, 1-based): chr18:23,544,403, G>C on the plus strand (C>G on the coding strand, the complement: NPC1 is on the minus strand). VCF-style: chr18-23544403-G-C. GRCh37 (hg19) VCF-style: chr18-21124367-G-C.
Other names: short protein forms P691A.
Identifiers: ClinVar variation 1524141 (VCV001524141.7), dbSNP rs2058754429, ClinGen allele CA401771367.